The following is an entry in ClinVar:

NM_001042750.2(STAG2):c.782A>G (p.Asn261Ser)

Gene: STAG2 (STAG2 cohesin complex component; plus strand). Cytogenetic location: Xq25.
Variant type: single nucleotide variant.
Coding change: c.782A>G on transcript NM_001042750.2 (MANE Select); coding-DNA position 782, A replaced by G.
Protein change: p.Asn261Ser; replaces asparagine 261 with serine.
Molecular consequence: missense variant.
Genome position (GRCh38, 1-based): chrX:124,047,468, A>G. VCF-style: chrX-124047468-A-G. GRCh37 (hg19) VCF-style: chrX-123181318-A-G.
Other names: c.782A>G, p.Asn261Ser (NM_001042749.2, NM_001375373.1, NM_001375374.1 and 13 more transcripts); short protein forms N261S.
Identifiers: ClinVar variation 1358100 (VCV001358100.31), dbSNP rs148395642, ClinGen allele CA10508637.

ClinVar aggregate classification (germline): Uncertain significance. Review status: criteria provided, multiple submitters, no conflicts (2 of 4 stars). 2 submissions from 2 submitters: Uncertain significance (2). Last evaluated 2025-05-17.

Conditions:
Mullegama-Klein-Martinez syndrome. Also called: NEURODEVELOPMENTAL DISORDER, X-LINKED, WITH CRANIOFACIAL ABNORMALITIES. Identifiers: MedGen C5193008, MONDO:0026722, OMIM 301022.

Allele frequency attached by ClinVar (database versions not stated): gnomAD exomes 0.00001 and 0.00002; ExAC 0.00003; gnomAD 0.00004 and 0.00005; TOPMed 0.00004; ESP Exome Variant Server 0.00009; 1000 Genomes Project 30x 0.00021; 1000 Genomes Project 0.00026.
gnomAD v4.1: 15 of 1,207,899 alleles (0.0012%); highest among the groups gnomAD compares: East Asian, 0.0059%; no homozygotes.

Submissions (2):

Labcorp Genetics (formerly Invitae), Labcorp
Classification: Uncertain significance. Last evaluated: 2025-05-17. Review status: criteria provided, single submitter. Criteria: Invitae Variant Classification Sherloc (09022015). Collection method: clinical testing. Allele origin: germline.
Comment: This sequence change replaces asparagine, which is neutral and polar, with serine, which is neutral and polar, at codon 261 of the STAG2 protein (p.Asn261Ser). This variant is present in population databases (rs148395642, gnomAD 0.008%). This variant has not been reported in the literature in individuals affected with STAG2-related conditions. ClinVar contains an entry for this variant (Variation ID: 1358100). Invitae Evidence Modeling of protein sequence and biophysical properties (such as structural, functional, and spatial information, amino acid conservation, physicochemical variation, residue mobility, and thermodynamic stability) indicates that this missense variant is not expected to disrupt STAG2 protein function with a negative predictive value of 80%. In summary, the available evidence is currently insufficient to determine the role of this variant in disease. Therefore, it has been classified as a Variant of Uncertain Significance.

CeGaT Center for Human Genetics Tuebingen
Classification: Uncertain significance. Last evaluated: 2023-06-01. Review status: criteria provided, single submitter. Criteria: CeGaT Center For Human Genetics Tuebingen Variant Classification Criteria Version 2. Collection method: clinical testing. Allele origin: germline. Affected: yes. Observed: 1 variant allele.
Comment: STAG2: PP2